The following is an entry in ClinVar:

ClinVar aggregate classification (germline): Uncertain significance (1 of 4 stars; one submission).

gnomAD v4.1: 1 of 1,613,616 alleles (0.000062%); highest among the groups gnomAD compares: Non-Finnish European, 0.000085%; no homozygotes.

Submission:

Labcorp Genetics (formerly Invitae), Labcorp
Classification: Uncertain significance. Last evaluated: 2023-06-17. Review status: criteria provided, single submitter. Criteria: Invitae Variant Classification Sherloc (09022015). Collection method: clinical testing. Allele origin: germline.
Comment: In summary, the available evidence is currently insufficient to determine the role of this variant in disease. Therefore, it has been classified as a Variant of Uncertain Significance. Advanced modeling of protein sequence and biophysical properties (such as structural, functional, and spatial information, amino acid conservation, physicochemical variation, residue mobility, and thermodynamic stability) performed at Invitae indicates that this missense variant is not expected to disrupt CACNA1D protein function. ClinVar contains an entry for this variant (Variation ID: 1465050). This variant has not been reported in the literature in individuals affected with CACNA1D-related conditions. This variant is present in population databases (no rsID available, gnomAD 0.007%). This sequence change replaces valine, which is neutral and non-polar, with leucine, which is neutral and non-polar, at codon 397 of the CACNA1D protein (p.Val397Leu).

NM_000720.4(CACNA1D):c.1189G>C (p.Val397Leu)

Gene: CACNA1D (calcium voltage-gated channel subunit alpha1 D; plus strand). Cytogenetic location: 3p21.1.
Variant type: single nucleotide variant.
Coding change: c.1189G>C on transcript NM_000720.4 (MANE Plus Clinical); coding-DNA position 1189, G replaced by C.
Protein change: p.Val397Leu; replaces valine 397 with leucine.
Molecular consequence: missense variant. On other transcripts: intron variant (2).
Genome position (GRCh38, 1-based): chr3:53,673,785, G>C. VCF-style: chr3-53673785-G-C. GRCh37 (hg19) VCF-style: chr3-53707812-G-C.
Other names: c.1220+659G>C (NM_001128840.3, NM_001128839.3); short protein forms V397L.
Identifiers: ClinVar variation 1465050 (VCV001465050.8), dbSNP rs201881377, ClinGen allele CA353384153.